The following is an entry in ClinVar:

NM_004984.4(KIF5A):c.714+3_714+4del

Gene: KIF5A (kinesin family member 5A; plus strand). Cytogenetic location: 12q13.3.
Variant type: Deletion.
Coding change: c.714+3_714+4del on transcript NM_004984.4 (MANE Select); bases 3 to 4 of the intron after coding-DNA position 714, 2 bases deleted (AG; older notation c.714+3_714+4delAG).
Molecular consequence: intron variant.
Genome position (GRCh38, 1-based): chr12:57,567,621-57,567,622, AG deleted. VCF-style (leftmost placement, unchanged base first): chr12-57567620-TAG-T. GRCh37 (hg19) VCF-style: chr12-57961403-TAG-T.
Other names: c.447+3_447+4del (NM_001354705.2).
Identifiers: ClinVar variation 3610843 (VCV003610843.2).

ClinVar aggregate classification (germline): Uncertain significance (1 of 4 stars; one submission).

Conditions:
Spastic paraplegia. Identifiers: MedGen C0037772, HP:0001258.

Submission:

Labcorp Genetics (formerly Invitae), Labcorp
Classification: Uncertain significance for Spastic paraplegia. Last evaluated: 2024-04-08. Review status: criteria provided, single submitter. Criteria: Invitae Variant Classification Sherloc (09022015). Collection method: clinical testing. Allele origin: germline.
Comment: This sequence change falls in intron 8 of the KIF5A gene. It does not directly change the encoded amino acid sequence of the KIF5A protein. It affects a nucleotide within the consensus splice site. This variant is not present in population databases (gnomAD no frequency). This variant has not been reported in the literature in individuals affected with KIF5A-related conditions. Variants that disrupt the consensus splice site are a relatively common cause of aberrant splicing (PMID: 17576681, 9536098). Algorithms developed to predict the effect of sequence changes on RNA splicing suggest that this variant is not likely to affect RNA splicing. In summary, the available evidence is currently insufficient to determine the role of this variant in disease. Therefore, it has been classified as a Variant of Uncertain Significance.

Literature cited by the submitters: PubMed 17576681; PubMed 9536098.